The following is an entry in ClinVar:

NM_003919.3(SGCE):c.232+4T>C

Genes: CASD1 (CAS1 domain sialic acid O acetyltransferase 1; plus strand), SGCE (sarcoglycan epsilon; minus strand). Cytogenetic location: 7q21.3.
Variant type: single nucleotide variant.
Coding change: c.232+4T>C on transcript NM_003919.3 (MANE Select); 4 bases into the intron after coding-DNA position 232, T replaced by C.
Molecular consequence: intron variant.
Genome position (GRCh38, 1-based): chr7:94,629,715, A>G on the plus strand (T>C on the coding strand, the complement: SGCE is on the minus strand). VCF-style: chr7-94629715-A-G. GRCh37 (hg19) VCF-style: chr7-94259027-A-G.
Other names: c.110-1356T>C (NM_001362809.2, NM_001301139.2); c.232+4T>C (NM_001346717.2, NM_001099400.2, NM_001099401.2); c.340+4T>C (NM_001346715.2, NM_001346713.2); c.145+4T>C (NM_001362807.2, NM_001346719.2); c.-42+4T>C (NM_001362808.2, NM_001346720.2).
Identifiers: ClinVar variation 532789 (VCV000532789.9), dbSNP rs372244157, ClinGen allele CA4348867.

ClinVar aggregate classification (germline): Uncertain significance. Review status: criteria provided, multiple submitters, no conflicts (2 of 4 stars). 2 submissions from 2 submitters: Uncertain significance (2). Last evaluated 2025-10-28.

Conditions:
Myoclonic dystonia 11 (DYT11). Also called: DYT-SGCE; Myoclonic dystonia; Dystonia 11; Dystonia, alcohol responsive; Hereditary essential myoclonus; SGCE Myoclonus-Dystonia. Identifiers: Orphanet 36899, MedGen C1834570, MONDO:0008044, OMIM 159900.

Allele frequency attached by ClinVar (database versions not stated): gnomAD 0.00001; gnomAD exomes 0.00001 and 0.00003; ExAC 0.00003; ESP Exome Variant Server 0.00008.
gnomAD v4.1: 22 of 1,610,836 alleles (0.0014%); highest among the groups gnomAD compares: Non-Finnish European, 0.0019%; no homozygotes.

Submissions (2):

Labcorp Genetics (formerly Invitae), Labcorp
Classification: Uncertain significance for Myoclonic dystonia 11. Last evaluated: 2025-10-28. Review status: criteria provided, single submitter. Criteria: Invitae Variant Classification Sherloc (09022015). Collection method: clinical testing. Allele origin: germline.
Comment: This sequence change falls in intron 2 of the SGCE gene. It does not directly change the encoded amino acid sequence of the SGCE protein. It affects a nucleotide within the consensus splice site. This variant is present in population databases (rs372244157, gnomAD 0.006%). This variant has not been reported in the literature in individuals affected with SGCE-related conditions. ClinVar contains an entry for this variant (Variation ID: 532789). Variants that disrupt the consensus splice site are a relatively common cause of aberrant splicing (PMID: 17576681, 9536098). Algorithms developed to predict the effect of sequence changes on RNA splicing suggest that this variant is not likely to affect RNA splicing. In summary, the available evidence is currently insufficient to determine the role of this variant in disease. Therefore, it has been classified as a Variant of Uncertain Significance.

Revvity Omics, Revvity
Classification: Uncertain significance for Myoclonic dystonia 11. Last evaluated: 2022-06-26. Review status: criteria provided, single submitter. Criteria: ACMG Guidelines, 2015. Collection method: clinical testing. Allele origin: germline.

Literature cited by the submitters: PubMed 17576681 (cited by Labcorp Genetics (formerly Invitae), Labcorp); PubMed 9536098 (cited by Labcorp Genetics (formerly Invitae), Labcorp).